The following is an entry in ClinVar:

ClinVar aggregate classification (germline): Pathogenic/Likely pathogenic. Review status: criteria provided, multiple submitters, no conflicts (2 of 4 stars). 2 submissions from 2 submitters: Pathogenic (1); Likely pathogenic (1). Last evaluated 2025-04-23.

Conditions:
Lethal congenital contractural syndrome Finnish type.

Allele frequency attached by ClinVar (database versions not stated): gnomAD exomes below 0.00001; TOPMed below 0.00001.

Submissions (2):

Natera, Inc.
Classification: Likely pathogenic for Lethal congenital contractural syndrome Finnish type. Last evaluated: 2025-04-23. Review status: criteria provided, single submitter. Criteria: Natera Variant Classification Schema (03/2026). Collection method: clinical testing. Allele origin: germline.
Comment: The c.1006_1007delAA variant in GLE1 is a frameshift variant predicted to shift the reading frame beginning at codon 336 and leads to a stop codon 5 codons downstream. This variant is expected to result in nonsense mediated decay, truncation, or a dysfunctional protein product. This variant is rare in the general population with a frequency below the threshold expected for the associated phenotype(s). Given the available evidence, this variant is classified as Likely Pathogenic.

Labcorp Genetics (formerly Invitae), Labcorp
Classification: Pathogenic. Last evaluated: 2022-08-10. Review status: criteria provided, single submitter. Criteria: Invitae Variant Classification Sherloc (09022015). Collection method: clinical testing. Allele origin: germline.
Comment: For these reasons, this variant has been classified as Pathogenic. This variant has not been reported in the literature in individuals affected with GLE1-related conditions. This variant is present in population databases (no rsID available, gnomAD 0.01%). This sequence change creates a premature translational stop signal (p.Lys336Glufs*5) in the GLE1 gene. It is expected to result in an absent or disrupted protein product. Loss-of-function variants in GLE1 are known to be pathogenic (PMID: 18204449, 24243016, 27684565).

Literature cited by the submitters: PubMed 18204449 (cited by Labcorp Genetics (formerly Invitae), Labcorp); PubMed 24243016 (cited by Labcorp Genetics (formerly Invitae), Labcorp); PubMed 27684565 (cited by Labcorp Genetics (formerly Invitae), Labcorp).

NM_001003722.2(GLE1):c.1006_1007del (p.Lys336fs)

Gene: GLE1 (GLE1 RNA export mediator; plus strand). Cytogenetic location: 9q34.11.
Variant type: Deletion.
Coding change: c.1006_1007del on transcript NM_001003722.2 (MANE Select); coding-DNA positions 1006 to 1007, 2 bases deleted (AA; older notation c.1006_1007delAA).
Protein change: p.Lys336fs; shifts the reading frame from lysine 336.
Molecular consequence: frameshift variant.
Genome position (GRCh38, 1-based): chr9:128,525,300-128,525,301, AA deleted. VCF-style (leftmost placement, unchanged base first): chr9-128525299-CAA-C. GRCh37 (hg19) VCF-style: chr9-131287578-CAA-C.
Other names: c.1006_1007delAA, p.Lys336Glufs (NM_001411013.1); c.1006_1007del, p.Lys336fs (NM_001499.2); short protein forms K336fs.
Identifiers: ClinVar variation 2023382 (VCV002023382.5), dbSNP rs1370442137, ClinGen allele CA590634284.
Genomic context (GRCh38, chr9:128,525,299, plus strand): 5'-GCGGGAAATGCGGGACCTCCTGATGAACTTGGGGCAGGAGATCACCAGAGCCTGCGAAGA[CAA>C]GAGGAGGCAGGATGAAGAAGAGGCCCAGGTAAAGCTGCAAGAGGCACAGATGCAGCAGGG-3'